The following is an entry in ClinVar:

ClinVar aggregate classification (germline): Uncertain significance (1 of 4 stars; one submission).

Conditions:
Hereditary cancer-predisposing syndrome. Also called: Neoplastic Syndromes, Hereditary; Tumor predisposition; Hereditary Cancer Syndrome; Hereditary neoplastic syndrome. Identifiers: Orphanet 140162, MedGen C0027672, MeSH D009386, MONDO:0015356.

Allele frequency attached by ClinVar (database versions not stated): gnomAD exomes below 0.00001.
gnomAD v4.1: 1 of 1,613,778 alleles (0.000062%); highest among the groups gnomAD compares: South Asian, 0.0011%; no homozygotes.

Submission:

Ambry Genetics
Classification: Uncertain significance for Hereditary cancer-predisposing syndrome. Last evaluated: 2016-02-04. Review status: criteria provided, single submitter. Criteria: Ambry Autosomal Dominant and X-Linked criteria (10/2015). Collection method: clinical testing. Allele origin: germline. Observed: 1 variant allele.
Comment: The p.K1977R variant (also known as c.5930A>G), located in coding exon 40 of the NF1 gene, results from an A to G substitution at nucleotide position 5930. The lysine at codon 1977 is replaced by arginine, an amino acid with highly similar properties. This variant was not reported in population based cohorts in the following databases: Database of Single Nucleotide Polymorphisms (dbSNP), NHLBI Exome Sequencing Project (ESP), and 1000 Genomes Project. In the ESP, this variant was not observed in 6503 samples (13006 alleles) with coverage at this position. To date, this alteration has been detected with an allele frequency of approximately 0.001% (greater than 110000alleles tested) in our clinical cohort.This amino acid position is highly conserved in available vertebrate species. In addition, this alteration is predicted to be deleterious by in silico analysis.Since supporting evidence is limited at this time, the clinical significance of this alterationremains unclear.

NM_001042492.3(NF1):c.5930A>G (p.Lys1977Arg)

Gene: NF1 (neurofibromin 1; plus strand). Cytogenetic location: 17q11.2.
Variant type: single nucleotide variant.
Coding change: c.5930A>G on transcript NM_001042492.3 (MANE Select); coding-DNA position 5930, A replaced by G.
Protein change: p.Lys1977Arg; replaces lysine 1977 with arginine.
Molecular consequence: missense variant.
Genome position (GRCh38, 1-based): chr17:31,334,955, A>G. VCF-style: chr17-31334955-A-G. GRCh37 (hg19) VCF-style: chr17-29661973-A-G.
Other names: c.5867A>G, p.Lys1956Arg (NM_000267.4); short protein forms K1956R, K1977R.
Identifiers: ClinVar variation 484018 (VCV000484018.3), dbSNP rs1555534416, ClinGen allele CA399010811.